The following is an entry in ClinVar:

NM_000545.8(HNF1A):c.326+20C>A

Gene: HNF1A (HNF1 homeobox A; plus strand). Cytogenetic location: 12q24.31.
Variant type: single nucleotide variant.
Coding change: c.326+20C>A on transcript NM_000545.8 (MANE Select); 20 bases into the intron after coding-DNA position 326, C replaced by A.
Molecular consequence: intron variant.
Genome position (GRCh38, 1-based): chr12:120,979,114, C>A. VCF-style: chr12-120979114-C-A. GRCh37 (hg19) VCF-style: chr12-121416917-C-A.
Other names: c.326+20C>A (NM_001306179.2).
Identifiers: ClinVar variation 36818 (VCV000036818.20), dbSNP rs80051981, ClinGen allele CA214299.

ClinVar aggregate classification (germline): Benign. Review status: criteria provided, multiple submitters, no conflicts (2 of 4 stars). 9 submissions from 8 submitters: Benign (9). Last evaluated 2026-02-03.

Conditions:
Maturity-onset diabetes of the young (MODY). Also called: Maturity onset diabetes mellitus in young. Identifiers: Orphanet 552, MedGen C0342276, MONDO:0018911, HP:0004904.
Nonpapillary renal cell carcinoma. Identifiers: Orphanet 422526, MedGen CN074294, MONDO:0007763, OMIM 144700.
Maturity-onset diabetes of the young type 3. Also called: MODY type 3; MODY, type III. Identifiers: Orphanet 552, MedGen C1838100, MeSH C563933, MONDO:0010894, OMIM 600496. Disease mechanism: loss of function.

Allele frequency attached by ClinVar (database versions not stated): gnomAD exomes 0.00066 and 0.00147; ExAC 0.00243; 1000 Genomes Project 30x 0.00515; 1000 Genomes Project 0.00559; ESP Exome Variant Server 0.00701; gnomAD 0.00722 and 0.00772; TOPMed 0.00787.
gnomAD v4.1: 2,076 of 1,593,260 alleles (0.13%); highest among the groups gnomAD compares: African/African-American, 2.5%; 23 homozygotes.

Submissions (9):

Labcorp Genetics (formerly Invitae), Labcorp
Classification: Benign. Last evaluated: 2026-02-03. Review status: criteria provided, single submitter. Criteria: Invitae Variant Classification Sherloc (09022015). Collection method: clinical testing. Allele origin: germline.

Athena Diagnostics
Classification: Benign. Last evaluated: 2025-07-22. Review status: criteria provided, single submitter. Criteria: Athena Diagnostics Criteria. Collection method: clinical testing. Allele origin: unknown.
Comment: The frequency of this variant in the general population is higher than would generally be expected for pathogenic variants in this gene. Computational tools yielded predictions that this variant is unlikely to have an effect on normal RNA splicing. This nucleotide position exhibits low evolutionary conservation. This variant has been seen where an alternate explanation for disease was also identified.

ARUP Laboratories, Molecular Genetics and Genomics, ARUP Laboratories
Classification: Benign. Last evaluated: 2025-06-27. Review status: criteria provided, single submitter. Criteria: ARUP Molecular Germline Variant Investigation Process 2024. Collection method: clinical testing. Allele origin: germline.

KCCC/NGS Laboratory, Kuwait Cancer Control Center
Classification: Benign for Maturity-onset diabetes of the young type 3. Last evaluated: 2025-02-01. Review status: criteria provided, single submitter. Criteria: ACMG Guidelines, 2015. Collection method: clinical testing. Allele origin: germline. Affected: no.

KCCC/NGS Laboratory, Kuwait Cancer Control Center
Classification: Benign for Nonpapillary renal cell carcinoma. Last evaluated: 2023-07-07. Review status: criteria provided, single submitter. Criteria: ACMG Guidelines, 2015. Collection method: clinical testing. Allele origin: germline. Affected: yes.

Women's Health and Genetics/Laboratory Corporation of America, LabCorp
Classification: Benign. Last evaluated: 2020-10-23. Review status: criteria provided, single submitter. Criteria: LabCorp Variant Classification Summary - May 2015. Collection method: clinical testing. Allele origin: germline.
Comment: Variant summary: HNF1A c.326+20C>A alters a nucleotide located close to a canonical splice site and therefore could affect mRNA splicing, leading to a significantly altered protein sequence. The variant allele was found at a frequency of 0.0015 in 206324 control chromosomes in the gnomAD database, including 3 homozygotes. The observed variant frequency is approximately 58.74 fold of the estimated maximal expected allele frequency for a pathogenic variant in HNF1A causing Maturity Onset Diabetes Of The Young 3 phenotype (2.5e-05), strongly suggesting that the variant is benign. To our knowledge, no occurrence of c.326+20C>A in individuals affected with Maturity Onset Diabetes Of The Young 3 and no experimental evidence demonstrating its impact on protein function have been reported. One clinical diagnostic laboratory has submitted clinical-significance assessments for this variant to ClinVar after 2014 without evidence for independent evaluation. One laboratory classified the variant as benign/likely benign. Based on the evidence outlined above, the variant was classified as benign.

GeneDx
Classification: Benign. Last evaluated: 2015-06-19. Review status: criteria provided, single submitter. Criteria: GeneDx Variant Classification (06012015). Collection method: clinical testing. Allele origin: germline. Affected: yes.
Comment: This variant is considered likely benign or benign based on one or more of the following criteria: it is a conservative change, it occurs at a poorly conserved position in the protein, it is predicted to be benign by multiple in silico algorithms, and/or has population frequency not consistent with disease.

Breakthrough Genomics
Classification: Benign. Review status: criteria provided, single submitter. Criteria: ACMG Guidelines, 2015. Collection method: not provided. Allele origin: germline. Inheritance: Autosomal dominant inheritance. Affected: yes.

Clinical Genomics, Uppaluri K&H Personalized Medicine Clinic
Classification: Benign for Maturity-onset diabetes of the young. Review status: criteria provided, single submitter. Criteria: K & H Uppaluri Personalized Medicine Clinic Variant Classification & Assertion Criteria_Updated V.1. Collection method: research. Allele origin: unknown. Inheritance: Autosomal dominant inheritance.
Comment: Mutations in HNF1A gene can predispose to MODY3. It is associated with both micro and macrovascular complications of diabetes, especially cardiovascular complications. Associated with glucosuria. May respond well to sulfonylureas. However, more evidence is required to confer the association of this particular variant rs80051981 with MODY3.

Literature cited by the submitters: PubMed 31517624 (cited by Clinical Genomics, Uppaluri K&H Personalized Medicine Clinic); PubMed 32395877 (cited by Clinical Genomics, Uppaluri K&H Personalized Medicine Clinic); PubMed 35328643 (cited by Clinical Genomics, Uppaluri K&H Personalized Medicine Clinic); PubMed 35673428 (cited by Clinical Genomics, Uppaluri K&H Personalized Medicine Clinic).